The following is an entry in ClinVar:

ClinVar aggregate classification (germline): Likely benign. Review status: criteria provided, multiple submitters, no conflicts (2 of 4 stars). 4 submissions from 4 submitters: Likely benign (4). Last evaluated 2026-08-28.

Conditions:
Cardiovascular phenotype. Identifiers: MedGen CN230736.
PKP2-related disorder. Also called: PKP2-related condition.
Arrhythmogenic right ventricular dysplasia 9 (ARVD9). Also called: ARRHYTHMOGENIC RIGHT VENTRICULAR DYSPLASIA, FAMILIAL, 9; Arrhythmogenic Right Ventricular Dysplasia/Cardiomyopathy 9. Identifiers: MedGen C1836906, MONDO:0012180, OMIM 609040.

Allele frequency attached by ClinVar (database versions not stated): gnomAD exomes 0.00001 and 0.00002; ExAC 0.00002; gnomAD 0.00002; TOPMed 0.00003.
gnomAD v4.1: 14 of 1,613,822 alleles (0.00087%); highest among the groups gnomAD compares: African/African-American, 0.004%; no homozygotes.

Submissions (4):

PreventionGenetics, part of Exact Sciences
Classification: Likely benign for PKP2-related condition. Last evaluated: 2026-08-28. Review status: criteria provided, single submitter. Criteria: ACMG Guidelines, 2015. Collection method: clinical testing. Allele origin: germline.
Comment: This variant is classified as likely benign based on ACMG/AMP sequence variant interpretation guidelines (Richards et al. 2015 PMID: 25741868, with internal and published modifications).

Labcorp Genetics (formerly Invitae), Labcorp
Classification: Likely benign for Arrhythmogenic right ventricular dysplasia 9. Last evaluated: 2025-11-12. Review status: criteria provided, single submitter. Criteria: Invitae Variant Classification Sherloc (09022015). Collection method: clinical testing. Allele origin: germline.

Ambry Genetics
Classification: Likely benign for Cardiovascular phenotype. Last evaluated: 2023-07-27. Review status: criteria provided, single submitter. Criteria: Ambry Variant Classification Scheme 2023. Collection method: clinical testing. Allele origin: germline.

Women's Health and Genetics/Laboratory Corporation of America, LabCorp
Classification: Likely benign. Last evaluated: 2022-02-26. Review status: criteria provided, single submitter. Criteria: LabCorp Variant Classification Summary - May 2015. Collection method: clinical testing. Allele origin: germline.

NM_001005242.3(PKP2):c.1857G>A (p.Pro619=)

Gene: PKP2 (plakophilin 2; minus strand). Cytogenetic location: 12p11.21.
Variant type: single nucleotide variant.
Coding change: c.1857G>A on transcript NM_001005242.3 (MANE Select); coding-DNA position 1857, G replaced by A.
Protein change: p.Pro619=; no amino-acid change (proline 619 retained).
Molecular consequence: synonymous variant.
Genome position (GRCh38, 1-based): chr12:32,821,512, C>T on the plus strand (G>A on the coding strand, the complement: PKP2 is on the minus strand). VCF-style: chr12-32821512-C-T. GRCh37 (hg19) VCF-style: chr12-32974446-C-T.
Other names: c.1989G>A, p.Pro663= (NM_004572.4).
Identifiers: ClinVar variation 414020 (VCV000414020.17), dbSNP rs760434776, ClinGen allele CA032067.